The following is an entry in ClinVar:

ClinVar aggregate classification (germline): Uncertain significance (1 of 4 stars; one submission).

Conditions:
DiGeorge syndrome. Also called: THIRD AND FOURTH PHARYNGEAL POUCH SYNDROME; Catch22. Identifiers: Orphanet 567, MedGen C0012236, MONDO:0008564, OMIM 188400.

gnomAD v4.1: 1 of 1,058,966 alleles (0.000094%); highest among the groups gnomAD compares: Non-Finnish European, 0.00012%; no homozygotes.

Submission:

Labcorp Genetics (formerly Invitae), Labcorp
Classification: Uncertain significance for DiGeorge syndrome. Last evaluated: 2025-06-12. Review status: criteria provided, single submitter. Criteria: Invitae Variant Classification Sherloc (09022015). Collection method: clinical testing. Allele origin: germline.
Comment: This sequence change falls in intron 2 of the TBX1 gene. It does not directly change the encoded amino acid sequence of the TBX1 protein. It affects a nucleotide within the consensus splice site. This variant is not present in population databases (gnomAD no frequency). This variant has not been reported in the literature in individuals affected with TBX1-related conditions. ClinVar contains an entry for this variant (Variation ID: 3677321). Variants that disrupt the consensus splice site are a relatively common cause of aberrant splicing (PMID: 17576681, 9536098). Algorithms developed to predict the effect of sequence changes on RNA splicing suggest that this variant is not likely to affect RNA splicing. In summary, the available evidence is currently insufficient to determine the role of this variant in disease. Therefore, it has been classified as a Variant of Uncertain Significance.

Literature cited by the submitters: PubMed 17576681; PubMed 9536098.

NM_001379200.1(TBX1):c.59C>T (p.Ala20Val)

Gene: TBX1 (T-box transcription factor 1; plus strand). Cytogenetic location: 22q11.21.
Variant type: single nucleotide variant.
Coding change: c.59C>T on transcript NM_001379200.1 (MANE Select); coding-DNA position 59, C replaced by T.
Protein change: p.Ala20Val; replaces alanine 20 with valine.
Molecular consequence: missense variant. On other transcripts: intron variant (3).
Genome position (GRCh38, 1-based): chr22:19,760,902, C>T. VCF-style: chr22-19760902-C-T. GRCh37 (hg19) VCF-style: chr22-19748425-C-T.
Other names: c.35-3C>T (NM_005992.1, NM_080646.2, NM_080647.1); short protein forms A20V.
Identifiers: ClinVar variation 3677321 (VCV003677321.2).